The following is an entry in ClinVar:

NM_000264.5(PTCH1):c.1026T>G (p.Ile342Met)

Gene: PTCH1 (patched 1; minus strand). Cytogenetic location: 9q22.32.
Variant type: single nucleotide variant.
Coding change: c.1026T>G on transcript NM_000264.5 (MANE Select); coding-DNA position 1026, T replaced by G.
Protein change: p.Ile342Met; replaces isoleucine 342 with methionine.
Molecular consequence: missense variant. On other transcripts: non-coding transcript variant (1).
Genome position (GRCh38, 1-based): chr9:95,480,010, A>C on the plus strand (T>G on the coding strand, the complement: PTCH1 is on the minus strand). VCF-style: chr9-95480010-A-C. GRCh37 (hg19) VCF-style: chr9-98242292-A-C.
Other names: c.828T>G, p.Ile276Met (NM_001083602.3); c.1023T>G, p.Ile341Met (NM_001083603.3); c.573T>G, p.Ile191Met (NM_001083604.3, NM_001083605.3, NM_001083606.3 and 1 more transcripts); c.1026T>G, p.Ile342Met (NM_001354918.2); short protein forms I276M, I191M, I342M, I341M.
Identifiers: ClinVar variation 3784685 (VCV003784685.1).

ClinVar aggregate classification (germline): Uncertain significance (1 of 4 stars; one submission).

Conditions:
Hereditary cancer-predisposing syndrome. Also called: Neoplastic Syndromes, Hereditary; Hereditary Cancer Syndrome; Tumor predisposition; Hereditary neoplastic syndrome. Identifiers: Orphanet 140162, MedGen C0027672, MeSH D009386, MONDO:0015356.

Submission:

Ambry Genetics
Classification: Uncertain significance for Hereditary cancer-predisposing syndrome. Last evaluated: 2025-03-09. Review status: criteria provided, single submitter. Criteria: Ambry Variant Classification Scheme 2023. Collection method: clinical testing. Allele origin: germline.
Comment: The p.I342M variant (also known as c.1026T>G), located in coding exon 7 of the PTCH1 gene, results from a T to G substitution at nucleotide position 1026. The isoleucine at codon 342 is replaced by methionine, an amino acid with highly similar properties. This amino acid position is conserved. In addition, this alteration is predicted to be deleterious by in silico analysis. Based on the available evidence, the clinical significance of this variant remains unclear.